The following is an entry in ClinVar:

ClinVar aggregate classification (germline): Uncertain significance. Review status: criteria provided, multiple submitters, no conflicts (2 of 4 stars). 5 submissions from 5 submitters: Uncertain significance (4). 1 of the submissions does not count toward it. Last evaluated 2025-11-05.

Conditions:
Hereditary cancer-predisposing syndrome. Also called: Neoplastic Syndromes, Hereditary; Tumor predisposition; Hereditary neoplastic syndrome; Hereditary Cancer Syndrome. Identifiers: Orphanet 140162, MedGen C0027672, MeSH D009386, MONDO:0015356.
Hereditary breast ovarian cancer syndrome. Also called: Hereditary breast and ovarian cancer syndrome; Hereditary breast and ovarian cancer; Hereditary breast and ovarian cancer syndrome (HBOC); Breast and ovarian cancer; Hereditary breast and/or ovarian cancer syndrome; BRCA1- and BRCA2-Associated Hereditary Breast and Ovarian Cancer. Identifiers: Orphanet 145, MedGen C0677776, MeSH D061325, MONDO:0003582. Disease mechanism: loss of function.
Breast-ovarian cancer, familial, susceptibility to, 2 (BROVCA2). Also called: BRCA2 Hereditary Breast and Ovarian Cancer. Identifiers: Orphanet 145, MedGen C2675520, MONDO:0012933, OMIM 612555. Disease mechanism: loss of function.

Submissions (5):

Ambry Genetics
Classification: Uncertain significance for Hereditary cancer-predisposing syndrome. Last evaluated: 2025-11-05. Review status: criteria provided, single submitter. Criteria: Ambry Variant Classification Scheme 2023. Collection method: clinical testing. Allele origin: germline.
Comment: The p.L2581W variant (also known as c.7742T>G), located in coding exon 15 of the BRCA2 gene, results from a T to G substitution at nucleotide position 7742. The leucine at codon 2581 is replaced by tryptophan, an amino acid with similar properties. The p.L2581W alteration was neutral in one homology-directed DNA repair (HDR) assay, with a probability of pathogenicity of 0.00268 and a probability of neutrality of 0.990 (Guidugli L et al. Am J Hum Genet, 2018 Feb;102:233-248). However, this variant demonstrated intermediate function in later homology-directed DNA repair (HDR) assays from the same group (Hart SN et al. NPJ Breast Cancer, 2020 May;6:13; Hu C et al. Am J Hum Genet. 2024 Mar;111(3):584-593). In another study, this alteration was reported as intermediate based on sensitivity to PARP inhibitors in a high-throughput in vitro assay performed in a human colorectal adenoma cell line (Ikegami M et al. Nat Commun, 2020 May;11:2573). In addition, a saturation genome editing-based study using a haploid cell-survival assay reports that this nucleotide substitution is functional (Huang H et al. Nature. 2025 Feb;638(8050):528-537). This amino acid position is highly conserved in available vertebrate species. In addition, this alteration is predicted to be deleterious by in silico analysis. Based on the available evidence, the clinical significance of this variant remains unclear.

Labcorp Genetics (formerly Invitae), Labcorp
Classification: Uncertain significance for Hereditary breast ovarian cancer syndrome. Last evaluated: 2025-07-14. Review status: criteria provided, single submitter. Criteria: Invitae Variant Classification Sherloc (09022015). Collection method: clinical testing. Allele origin: germline.
Comment: This sequence change replaces leucine, which is neutral and non-polar, with tryptophan, which is neutral and slightly polar, at codon 2581 of the BRCA2 protein (p.Leu2581Trp). This variant is not present in population databases (gnomAD no frequency). This variant has not been reported in the literature in individuals affected with BRCA2-related conditions. ClinVar contains an entry for this variant (Variation ID: 52397). Invitae Evidence Modeling of protein sequence and biophysical properties (such as structural, functional, and spatial information, amino acid conservation, physicochemical variation, residue mobility, and thermodynamic stability) has been performed for this missense variant. However, the output from this modeling did not meet the statistical confidence thresholds required to predict the impact of this variant on BRCA2 protein function. Experimental studies have shown that this missense change does not substantially affect BRCA2 function (PMID: 29394989). In summary, the available evidence is currently insufficient to determine the role of this variant in disease. Therefore, it has been classified as a Variant of Uncertain Significance.

GeneDx
Classification: Uncertain significance. Last evaluated: 2021-08-24. Review status: criteria provided, single submitter. Criteria: GeneDx Variant Classification Process June 2021. Collection method: clinical testing. Allele origin: germline. Affected: yes.
Comment: Not observed in large population cohorts (Lek 2016); In silico analysis supports that this missense variant does not alter protein structure/function; Also known as 7970T>G; This variant is associated with the following publications: (PMID: 29884841, 12228710, 29394989)

Color Diagnostics, LLC DBA Color Health
Classification: Uncertain significance for Hereditary cancer-predisposing syndrome. Last evaluated: 2021-01-26. Review status: criteria provided, single submitter. Criteria: ACMG Guidelines, 2015. Collection method: clinical testing. Allele origin: germline.
Comment: This missense variant replaces leucine with tryptophan at codon 2581 of the BRCA2 protein. Computational prediction suggests that this variant may have deleterious impact on protein structure and function (internally defined REVEL score threshold >= 0.7, PMID: 27666373). Functional studies have shown that this variant resulted in functional repair activity in cell culture (PMID: 29394989). To our knowledge, this variant has not been reported in individuals affected with hereditary cancer in the literature. This variant has not been identified in the general population by the Genome Aggregation Database (gnomAD). The available evidence is insufficient to determine the role of this variant in disease conclusively. Therefore, this variant is classified as a Variant of Uncertain Significance.

Breast Cancer Information Core (BIC) (BRCA2)
Classification: Uncertain significance for Breast-ovarian cancer, familial 2. Last evaluated: 2003-12-23. Review status: no assertion criteria provided. Collection method: clinical testing. Allele origin: germline. Affected: yes. Observed: 1 variant allele. Not counted in ClinVar's aggregate classification.

Literature cited by the submitters: PubMed 29394989 (cited by Ambry Genetics and Labcorp Genetics (formerly Invitae), Labcorp); PubMed 32377563 (cited by Ambry Genetics); PubMed 32444794 (cited by Ambry Genetics); PubMed 38417439 (cited by Ambry Genetics); PubMed 39779857 (cited by Ambry Genetics).

NM_000059.4(BRCA2):c.7742T>G (p.Leu2581Trp)

Gene: BRCA2 (BRCA2 DNA repair associated; plus strand). Cytogenetic location: 13q13.1.
Variant type: single nucleotide variant.
Coding change: c.7742T>G on transcript NM_000059.4 (MANE Select); coding-DNA position 7742, T replaced by G.
Protein change: p.Leu2581Trp; replaces leucine 2581 with tryptophan.
Molecular consequence: missense variant.
Genome position (GRCh38, 1-based): chr13:32,357,866, T>G. VCF-style: chr13-32357866-T-G. GRCh37 (hg19) VCF-style: chr13-32932003-T-G.
Other names: short protein forms L2581W.
Identifiers: ClinVar variation 52397 (VCV000052397.16), dbSNP rs80359000, ClinGen allele CA025251.